The following continues an entry in ClinVar:

NM_000350.3(ABCA4):c.4457C>T (p.Pro1486Leu)

Gene: ABCA4. ClinVar aggregate classification (germline): Pathogenic. Pathogenic (1).

Submissions 10 to 21 of 21:

Fulgent Genetics
Classification: Pathogenic for Age related macular degeneration 2; Severe early-childhood-onset retinal dystrophy; Retinitis pigmentosa 19; Cone-rod dystrophy 3. Last evaluated: 2022-01-17. Review status: criteria provided, single submitter. Criteria: ACMG Guidelines, 2015. Collection method: clinical testing. Allele origin: unknown. Not counted in ClinVar's aggregate classification.

Institute of Human Genetics, Univ. Regensburg, Univ. Regensburg
Classification: Likely pathogenic for Retinal dystrophy. Last evaluated: 2022-01-01. Review status: criteria provided, single submitter. Criteria: ACMG Guidelines, 2015. Collection method: clinical testing. Allele origin: germline. Affected: yes. Not counted in ClinVar's aggregate classification.

Institute of Medical Genetics and Applied Genomics, University Hospital Tübingen
Classification: Pathogenic. Last evaluated: 2020-10-23. Review status: criteria provided, single submitter. Criteria: ACMG Guidelines, 2015. Collection method: clinical testing. Allele origin: germline. Inheritance: Autosomal recessive inheritance. Affected: yes. Not counted in ClinVar's aggregate classification.

Baylor Genetics
Classification: Likely pathogenic for Severe early-childhood-onset retinal dystrophy. Last evaluated: 2020-08-01. Review status: criteria provided, single submitter. Criteria: ACMG Guidelines, 2015. Collection method: clinical testing. Allele origin: unknown. Affected: yes. Not counted in ClinVar's aggregate classification.
Comment: This variant was determined to be likely pathogenic according to ACMG Guidelines, 2015 [PMID:25741868].

Centre for Mendelian Genomics, University Medical Centre Ljubljana
Classification: Pathogenic for Age related macular degeneration 2. Last evaluated: 2019-12-02. Review status: criteria provided, single submitter. Criteria: ACMG Guidelines, 2015. Collection method: clinical testing. Allele origin: unknown. Affected: yes. Not counted in ClinVar's aggregate classification.
Comment: This variant was classified as: Pathogenic. The following ACMG criteria were applied in classifying this variant: PM2,PP3,PP2,PM3,PS1.

Mendelics
Classification: Pathogenic for Severe early-childhood-onset retinal dystrophy. Last evaluated: 2019-05-28. Review status: criteria provided, single submitter. Criteria: Mendelics Assertion Criteria 2017. Collection method: clinical testing. Allele origin: unknown. Not counted in ClinVar's aggregate classification.

CeGaT Center for Human Genetics Tuebingen
Classification: Pathogenic. Last evaluated: 2016-11-01. Review status: criteria provided, single submitter. Criteria: CeGaT Center For Human Genetics Tuebingen Variant Classification Criteria Version 2. Collection method: clinical testing. Allele origin: germline. Affected: yes. Observed: 1 variant allele. Not counted in ClinVar's aggregate classification.

Institute of Human Genetics, Univ. Regensburg, Univ. Regensburg
Classification: Likely pathogenic for Severe early-childhood-onset retinal dystrophy. Last evaluated: 2016-01-01. Review status: criteria provided, single submitter. Criteria: Schulz et al. (Invest Ophthalmol Vis Sci. 2017). Collection method: clinical testing. Allele origin: germline. Affected: yes. Observed: 1 heterozygote. Not counted in ClinVar's aggregate classification.

Clinical Genetics Service, Universitary Hospital 12 de Octubre
Classification: Pathogenic for Severe early-childhood-onset retinal dystrophy. Review status: criteria provided, single submitter. Criteria: ACMG Guidelines, 2015. Collection method: clinical testing. Allele origin: maternal. Affected: yes. Not counted in ClinVar's aggregate classification.

Sharon lab, Hadassah-Hebrew University Medical Center
Classification: Pathogenic for Stargardt disease. Last evaluated: 2019-06-23. Review status: no assertion criteria provided. Collection method: research. Allele origin: inherited. Affected: yes. Not counted in ClinVar's aggregate classification.

Ophthalmo-Genetics Lab, Instituto de Oftalmologia Conde de Valenciana
Classification: Pathogenic for Severe early-childhood-onset retinal dystrophy. Review status: no assertion criteria provided. Collection method: research. Allele origin: germline. Inheritance: Autosomal recessive inheritance. Affected: yes. Not counted in ClinVar's aggregate classification.

Retina International
No classification provided. Review status: no classification provided. Collection method: not provided. Allele origin: not provided. Not counted in ClinVar's aggregate classification.

Literature cited by the submitters: PubMed 18285826 (cited by Labcorp Genetics (formerly Invitae), Labcorp and Dasa); PubMed 22247458 (cited by Labcorp Genetics (formerly Invitae), Labcorp and Dasa); PubMed 23755871 (cited by 3 submitters); PubMed 28559085 (cited by 3 submitters); PubMed 30093795 (cited by 4 submitters); PubMed 9973280 (cited by 3billion and Institute of Human Genetics, Univ. Regensburg, Univ. Regensburg); PubMed 31129250 (cited by OLLIN Analises Genomicas, OLLIN and Institute of Human Genetics, Univ. Regensburg, Univ. Regensburg); PubMed 32036094 (cited by OLLIN Analises Genomicas, OLLIN and Institute of Human Genetics, Univ. Regensburg, Univ. Regensburg); PubMed 38219857 (cited by OLLIN Analises Genomicas, OLLIN); PubMed 25412400 (cited by Institute of Human Genetics, Univ. Regensburg, Univ. Regensburg); PubMed 31589614 (cited by Institute of Human Genetics, Univ. Regensburg, Univ. Regensburg); PubMed 32845050 (cited by Institute of Human Genetics, Univ. Regensburg, Univ. Regensburg); PubMed 32619608 (cited by Institute of Human Genetics, Univ. Regensburg, Univ. Regensburg); PubMed 31964843 (cited by Institute of Human Genetics, Univ. Regensburg, Univ. Regensburg); PubMed 32307445 (cited by Institute of Human Genetics, Univ. Regensburg, Univ. Regensburg); PubMed 31456290 (cited by Institute of Human Genetics, Univ. Regensburg, Univ. Regensburg); PubMed 35119454 (cited by Institute of Human Genetics, Univ. Regensburg, Univ. Regensburg); PubMed 36460718 (cited by Institute of Human Genetics, Univ. Regensburg, Univ. Regensburg); PubMed 35076026 (cited by Institute of Human Genetics, Univ. Regensburg, Univ. Regensburg).